The following is an entry in ClinVar:

NM_005859.5(PURA):c.224T>G (p.Leu75Arg)

Gene: PURA (purine rich element binding protein A; plus strand). Cytogenetic location: 5q31.3.
Variant type: single nucleotide variant.
Coding change: c.224T>G on transcript NM_005859.5 (MANE Select); coding-DNA position 224, T replaced by G.
Protein change: p.Leu75Arg; replaces leucine 75 with arginine.
Molecular consequence: missense variant.
Genome position (GRCh38, 1-based): chr5:140,114,405, T>G. VCF-style: chr5-140114405-T-G. GRCh37 (hg19) VCF-style: chr5-139493990-T-G.
Other names: short protein forms L75R.
Identifiers: ClinVar variation 1299597 (VCV001299597.3), dbSNP rs1554129049, ClinGen allele CA361490192.

ClinVar aggregate classification (germline): Conflicting classifications of pathogenicity. Review status: criteria provided, conflicting classifications (1 of 4 stars). 2 submissions from 2 submitters: Pathogenic (1); Uncertain significance (1). Last evaluated 2024-03-20.

Conditions:
PURA-related severe neonatal hypotonia-seizures-encephalopathy syndrome (NEDRIHF). Also called: PURA-Related Neurodevelopmental Disorders; NEURODEVELOPMENTAL DISORDER WITH NEONATAL RESPIRATORY INSUFFICIENCY, HYPOTONIA, AND FEEDING DIFFICULTIES. Identifiers: Orphanet 438213, Orphanet 438216, MedGen C4015357, MONDO:1060108, OMIM 616158, MONDO:0018580.

Submissions (2):

Labcorp Genetics (formerly Invitae), Labcorp
Classification: Uncertain significance for PURA-related severe neonatal hypotonia-seizures-encephalopathy syndrome. Last evaluated: 2024-03-20. Review status: criteria provided, single submitter. Criteria: Invitae Variant Classification Sherloc (09022015). Collection method: clinical testing. Allele origin: germline.
Comment: This sequence change replaces leucine, which is neutral and non-polar, with arginine, which is basic and polar, at codon 75 of the PURA protein (p.Leu75Arg). This variant is not present in population databases (gnomAD no frequency). This missense change has been observed in individual(s) with neurodevelopmental abnormalities (PMID: 34008892). ClinVar contains an entry for this variant (Variation ID: 1299597). Advanced modeling of protein sequence and biophysical properties (such as structural, functional, and spatial information, amino acid conservation, physicochemical variation, residue mobility, and thermodynamic stability) performed at Invitae indicates that this missense variant is not expected to disrupt PURA protein function with a negative predictive value of 80%. In summary, the available evidence is currently insufficient to determine the role of this variant in disease. Therefore, it has been classified as a Variant of Uncertain Significance.

Laboratory of Medical Genetics, National & Kapodistrian University of Athens
Classification: Pathogenic for PURA-related severe neonatal hypotonia-seizures-encephalopathy syndrome. Last evaluated: 2021-10-01. Review status: criteria provided, single submitter. Criteria: ACMG Guidelines, 2015. Collection method: clinical testing. Allele origin: unknown. Affected: yes.
Comment: PS2, PM1, PM5, PP2, PP3, PP4

Literature cited by the submitters: PubMed 34008892 (cited by Labcorp Genetics (formerly Invitae), Labcorp and Laboratory of Medical Genetics, National & Kapodistrian University of Athens).